The following is an entry in ClinVar:

ClinVar aggregate classification (germline): Likely pathogenic (1 of 4 stars; one submission).

Conditions:
3M syndrome 2. Also called: 3-M Syndrome, OBSL1-Related; THREE M SYNDROME 2. Identifiers: Orphanet 2616, MedGen C2752041, MONDO:0013039, OMIM 612921.

Submission:

3billion
Classification: Likely pathogenic for 3M syndrome 2. Last evaluated: 2022-09-01. Review status: criteria provided, single submitter. Criteria: ACMG Guidelines, 2015. Collection method: clinical testing. Allele origin: germline. Affected: yes. Observed: 1 homozygote.
Comment: The variant is not observed in the gnomAD v2.1.1 dataset. It is predicted to result in a loss or disruption of normal protein function through nonsense-mediated decay (NMD) or protein truncation. Multiple pathogenic variants are reported downstream of the variant. Therefore, this variant is classified as Likely pathogenic according to the recommendation of ACMG/AMP guideline.

NM_015311.3(OBSL1):c.2292_2320dup (p.Ile774delinsArgArgTrpMetGlyAlaAsnThrValTer)

Gene: OBSL1 (obscurin like cytoskeletal adaptor 1; minus strand). Cytogenetic location: 2q35.
Variant type: Duplication.
Coding change: c.2292_2320dup on transcript NM_015311.3 (MANE Select); coding-DNA positions 2292 to 2320, 29 bases duplicated (GAAGATGGATGGGCGCAAACACCGTCTGA).
Protein change: p.Ile774delinsArgArgTrpMetGlyAlaAsnThrValTer.
Molecular consequence: nonsense.
Genome position (GRCh38, 1-based): chr2:219,565,329-219,565,357, TCAGACGGTGTTTGCGCCCATCCATCTTC duplicated on the plus strand (GAAGATGGATGGGCGCAAACACCGTCTGA on the coding strand, the reverse complement: OBSL1 is on the minus strand). VCF-style (leftmost placement, unchanged base first): chr2-219565328-A-ATCAGACGGTGTTTGCGCCCATCCATCTTC. GRCh37 (hg19) VCF-style: chr2-220430050-A-ATCAGACGGTGTTTGCGCCCATCCATCTTC.
Other names: c.2292_2320dup, p.Ile774delinsArgArgTrpMetGlyAlaAsnThrValTer (NM_001173408.2, NM_001173431.2).
Identifiers: ClinVar variation 1705464 (VCV001705464.1), dbSNP rs2546295090, ClinGen allele CA2580065971.